The following is an entry in ClinVar:

NM_024675.4(PALB2):c.2177C>T (p.Pro726Leu)

Gene: PALB2 (partner and localizer of BRCA2; minus strand). Cytogenetic location: 16p12.2.
Variant type: single nucleotide variant.
Coding change: c.2177C>T on transcript NM_024675.4 (MANE Select); coding-DNA position 2177, C replaced by T.
Protein change: p.Pro726Leu; replaces proline 726 with leucine.
Molecular consequence: missense variant.
Genome position (GRCh38, 1-based): chr16:23,629,977, G>A on the plus strand (C>T on the coding strand, the complement: PALB2 is on the minus strand). VCF-style: chr16-23629977-G-A. GRCh37 (hg19) VCF-style: chr16-23641298-G-A.
Other names: short protein forms P726L.
Identifiers: ClinVar variation 460930 (VCV000460930.12), dbSNP rs1555460461, ClinGen allele CA395125639.
Genomic context (GRCh38, chr16:23,629,977, plus strand): 5'-GCTTTTTCATAGGAGCCTTGAGGGCCAAAGGCTGGAGTAGTACCTAAGATGGGGAAAGCA[G>A]GTGAACACATGTCTGTGGTAGGCCTGTCATTATCATCAGGCGCAACCGTATTTAAAGGAG-3'
Protein context (NP_078951.2, residues 716-736): NDRPTTDMCS[Pro726Leu]AFPILGTTPA

ClinVar aggregate classification (germline): Uncertain significance. Review status: criteria provided, multiple submitters, no conflicts (2 of 4 stars). 2 submissions from 2 submitters: Uncertain significance (2). Last evaluated 2023-11-24.

Conditions:
Hereditary cancer-predisposing syndrome. Also called: Neoplastic Syndromes, Hereditary; Hereditary Cancer Syndrome; Hereditary neoplastic syndrome; Tumor predisposition. Identifiers: Orphanet 140162, MedGen C0027672, MeSH D009386, MONDO:0015356.
Familial cancer of breast. Also called: BREAST CANCER, FAMILIAL; Hereditary breast cancer; hereditary breast carcinoma. Identifiers: Orphanet 227535, MedGen C0346153, MONDO:0016419, OMIM 114480. Disease mechanism: loss of function.

Submissions (2):

Ambry Genetics
Classification: Uncertain significance for Hereditary cancer-predisposing syndrome. Last evaluated: 2023-11-24. Review status: criteria provided, single submitter. Criteria: Ambry Variant Classification Scheme 2023. Collection method: clinical testing. Allele origin: germline.
Comment: The p.P726L variant (also known as c.2177C>T), located in coding exon 5 of the PALB2 gene, results from a C to T substitution at nucleotide position 2177. The proline at codon 726 is replaced by leucine, an amino acid with similar properties. This amino acid position is well conserved in available vertebrate species. In addition, this alteration is predicted to be tolerated by in silico analysis. Since supporting evidence is limited at this time, the clinical significance of this alteration remains unclear.

Labcorp Genetics (formerly Invitae), Labcorp
Classification: Uncertain significance for Familial cancer of breast. Last evaluated: 2017-06-14. Review status: criteria provided, single submitter. Criteria: Invitae Variant Classification Sherloc (09022015). Collection method: clinical testing. Allele origin: germline.
Comment: This sequence change replaces proline with leucine at codon 726 of the PALB2 protein (p.Pro726Leu). The proline residue is highly conserved and there is a moderate physicochemical difference between proline and leucine. This variant is not present in population databases (ExAC no frequency). This variant has not been reported in the literature in individuals with a PALB2-related disease. Algorithms developed to predict the effect of missense changes on protein structure and function do not agree on the potential impact of this missense change (SIFT: "Deleterious"; PolyPhen-2: "Probably Damaging"; Align-GVGD: "Class C15"). In summary, this variant has uncertain impact on PALB2 function. The available evidence is currently insufficient to determine its role in disease. Therefore, it has been classified as a Variant of Uncertain Significance.